The following is an entry in ClinVar:

NM_153704.6(TMEM67):c.2933T>C (p.Val978Ala)

Gene: TMEM67 (transmembrane protein 67; plus strand). Cytogenetic location: 8q22.1.
Variant type: single nucleotide variant.
Coding change: c.2933T>C on transcript NM_153704.6 (MANE Select); coding-DNA position 2933, T replaced by C.
Protein change: p.Val978Ala; replaces valine 978 with alanine.
Molecular consequence: missense variant. On other transcripts: non-coding transcript variant (1).
Genome position (GRCh38, 1-based): chr8:93,816,397, T>C. VCF-style: chr8-93816397-T-C. GRCh37 (hg19) VCF-style: chr8-94828625-T-C.
Other names: c.2690T>C, p.Val897Ala (NM_001142301.1); short protein forms V978A, V897A.
Identifiers: ClinVar variation 2934069 (VCV002934069.3), dbSNP rs774745952, ClinGen allele CA4808437.

ClinVar aggregate classification (germline): Uncertain significance (1 of 4 stars; one submission).

Conditions:
Joubert syndrome. Also called: CEREBELLOPARENCHYMAL DISORDER IV; JOUBERT-BOLTSHAUSER SYNDROME; Familial aplasia of the vermis. Identifiers: Orphanet 475, MedGen C5979921, MONDO:0018772.
Meckel-Gruber syndrome. Also called: DYSENCEPHALIA SPLANCHNOCYSTICA; GRUBER SYNDROME; Dysencephalia splachnocystica. Identifiers: Orphanet 564, MedGen C0265215, MONDO:0018921.

Allele frequency attached by ClinVar (database versions not stated): gnomAD exomes below 0.00001; ExAC 0.00002.

Submission:

Labcorp Genetics (formerly Invitae), Labcorp
Classification: Uncertain significance for Joubert syndrome; Meckel-Gruber syndrome. Last evaluated: 2023-01-06. Review status: criteria provided, single submitter. Criteria: Invitae Variant Classification Sherloc (09022015). Collection method: clinical testing. Allele origin: germline.
Comment: In summary, the available evidence is currently insufficient to determine the role of this variant in disease. Therefore, it has been classified as a Variant of Uncertain Significance. Advanced modeling of protein sequence and biophysical properties (such as structural, functional, and spatial information, amino acid conservation, physicochemical variation, residue mobility, and thermodynamic stability) performed at Invitae indicates that this missense variant is expected to disrupt TMEM67 protein function. This variant has not been reported in the literature in individuals affected with TMEM67-related conditions. This variant is present in population databases (rs774745952, gnomAD 0.0009%). This sequence change replaces valine, which is neutral and non-polar, with alanine, which is neutral and non-polar, at codon 978 of the TMEM67 protein (p.Val978Ala).